The following is an entry in ClinVar:

NM_006031.6(PCNT):c.2036_2037dup (p.Gln680fs)

Gene: PCNT (pericentrin; plus strand). Cytogenetic location: 21q22.3.
Variant type: Duplication.
Coding change: c.2036_2037dup on transcript NM_006031.6 (MANE Select); coding-DNA positions 2036 to 2037, 2 bases duplicated (TG; older notation c.2036_2037dupTG).
Protein change: p.Gln680fs; shifts the reading frame from glutamine 680.
Molecular consequence: frameshift variant.
Genome position (GRCh38, 1-based): chr21:46,357,073-46,357,074, TG duplicated; duplicating any 2 consecutive bases within chr21:46,357,072-46,357,074 gives the same sequence; the c. name uses the placement nearest the transcript's 3' end. VCF-style (leftmost placement, unchanged base first): chr21-46357071-G-GGT. GRCh37 (hg19) VCF-style: chr21-47776986-G-GGT.
Other names: c.1682_1683dup, p.Gln562fs (NM_001315529.2); short protein forms Q562fs, Q680fs.
Identifiers: ClinVar variation 2763418 (VCV002763418.3), dbSNP rs2518153183, ClinGen allele CA2697547654.

ClinVar aggregate classification (germline): Pathogenic (1 of 4 stars; one submission).

Submission:

Labcorp Genetics (formerly Invitae), Labcorp
Classification: Pathogenic. Last evaluated: 2023-09-26. Review status: criteria provided, single submitter. Criteria: Invitae Variant Classification Sherloc (09022015). Collection method: clinical testing. Allele origin: germline.
Comment: This sequence change creates a premature translational stop signal (p.Gln680Cysfs*17) in the PCNT gene. It is expected to result in an absent or disrupted protein product. Loss-of-function variants in PCNT are known to be pathogenic (PMID: 18174396, 22821869). This variant is not present in population databases (gnomAD no frequency). This variant has not been reported in the literature in individuals affected with PCNT-related conditions. For these reasons, this variant has been classified as Pathogenic.

Literature cited by the submitters: PubMed 18174396; PubMed 22821869.